The following is an entry in ClinVar:

NM_206933.4(USH2A):c.2108A>T (p.Asp703Val)

Gene: USH2A (usherin; minus strand). Cytogenetic location: 1q41.
Variant type: single nucleotide variant.
Coding change: c.2108A>T on transcript NM_206933.4 (MANE Select); coding-DNA position 2108, A replaced by T.
Protein change: p.Asp703Val; replaces aspartic acid 703 with valine.
Molecular consequence: missense variant.
Genome position (GRCh38, 1-based): chr1:216,250,962, T>A on the plus strand (A>T on the coding strand, the complement: USH2A is on the minus strand). VCF-style: chr1-216250962-T-A. GRCh37 (hg19) VCF-style: chr1-216424304-T-A.
Other names: c.2108A>T, p.Asp703Val (NM_007123.6); short protein forms D703V.
Identifiers: ClinVar variation 1449116 (VCV001449116.5), dbSNP rs2036148045, ClinGen allele CA344866255.

ClinVar aggregate classification (germline): Uncertain significance (1 of 4 stars; one submission).

Allele frequency attached by ClinVar (database versions not stated): gnomAD exomes below 0.00001; TOPMed below 0.00001.
gnomAD v4.1: 1 of 1,614,054 alleles (0.000062%); highest among the groups gnomAD compares: South Asian, 0.0011%; no homozygotes.

Submission:

Labcorp Genetics (formerly Invitae), Labcorp
Classification: Uncertain significance. Last evaluated: 2021-08-26. Review status: criteria provided, single submitter. Criteria: Invitae Variant Classification Sherloc (09022015). Collection method: clinical testing. Allele origin: germline.
Comment: This sequence change replaces aspartic acid with valine at codon 703 of the USH2A protein (p.Asp703Val). The aspartic acid residue is highly conserved and there is a large physicochemical difference between aspartic acid and valine. This variant is not present in population databases (ExAC no frequency). This variant has not been reported in the literature in individuals affected with USH2A-related conditions. Algorithms developed to predict the effect of missense changes on protein structure and function are either unavailable or do not agree on the potential impact of this missense change (SIFT: "Deleterious"; PolyPhen-2: "Possibly Damaging"; Align-GVGD: "Class C0"). In summary, the available evidence is currently insufficient to determine the role of this variant in disease. Therefore, it has been classified as a Variant of Uncertain Significance.